The following is an entry in ClinVar:

ClinVar aggregate classification (germline): Uncertain significance (1 of 4 stars; one submission).

Submission:

Labcorp Genetics (formerly Invitae), Labcorp
Classification: Uncertain significance. Last evaluated: 2026-01-01. Review status: criteria provided, single submitter. Criteria: Invitae Variant Classification Sherloc (09022015). Collection method: clinical testing. Allele origin: germline.
Comment: This sequence change replaces glycine, which is neutral and non-polar, with aspartic acid, which is acidic and polar, at codon 886 of the RAI1 protein (p.Gly886Asp). This variant is not present in population databases (gnomAD no frequency). This variant has not been reported in the literature in individuals affected with RAI1-related conditions. ClinVar contains an entry for this variant (Variation ID: 1434164). Invitae Evidence Modeling of protein sequence and biophysical properties (such as structural, functional, and spatial information, amino acid conservation, physicochemical variation, residue mobility, and thermodynamic stability) indicates that this missense variant is not expected to disrupt RAI1 protein function with a negative predictive value of 80%. In summary, the available evidence is currently insufficient to determine the role of this variant in disease. Therefore, it has been classified as a Variant of Uncertain Significance.

NM_030665.4(RAI1):c.2657G>A (p.Gly886Asp)

Gene: RAI1 (retinoic acid induced 1; plus strand). Cytogenetic location: 17p11.2.
Variant type: single nucleotide variant.
Coding change: c.2657G>A on transcript NM_030665.4 (MANE Select); coding-DNA position 2657, G replaced by A.
Protein change: p.Gly886Asp; replaces glycine 886 with aspartic acid.
Molecular consequence: missense variant.
Genome position (GRCh38, 1-based): chr17:17,795,605, G>A. VCF-style: chr17-17795605-G-A. GRCh37 (hg19) VCF-style: chr17-17698919-G-A.
Other names: short protein forms G886D.
Identifiers: ClinVar variation 1434164 (VCV001434164.8), dbSNP rs1555565546, ClinGen allele CA398551720.
Genomic context (GRCh38, chr17:17,795,605, plus strand): 5'-AAGCTGAGGAGGAGTACTCCTCCCTATGTGAGCTCCTGGGCAGCCCCGAGCAGAGGCCTG[G>A]CATGCAGGACCCGCTGTCACCCAAGGCCCCACTCATCTGCACCAAGGAGGAGGTGGAGGA-3'
Protein context (NP_109590.3, residues 876-896): ELLGSPEQRP[Gly886Asp]MQDPLSPKAP